The following is an entry in ClinVar:

ClinVar aggregate classification (germline): Likely benign (1 of 4 stars; one submission).

Conditions:
PLS1-related disorder. Also called: PLS1-related condition.

gnomAD v4.1: 154 of 1,593,954 alleles (0.0097%); highest among the groups gnomAD compares: African/African-American, 0.14%; 1 homozygote.

Submission:

PreventionGenetics, part of Exact Sciences
Classification: Likely benign for PLS1-related condition. Last evaluated: 2025-05-29. Review status: criteria provided, single submitter. Criteria: ACMG Guidelines, 2015. Collection method: clinical testing. Allele origin: germline.
Comment: This variant is classified as likely benign based on ACMG/AMP sequence variant interpretation guidelines (Richards et al. 2015 PMID: 25741868, with internal and published modifications).

NM_001145319.2(PLS1):c.1143G>A (p.Pro381=)

Gene: PLS1 (plastin 1; plus strand). Cytogenetic location: 3q23.
Variant type: single nucleotide variant.
Coding change: c.1143G>A on transcript NM_001145319.2 (MANE Select); coding-DNA position 1143, G replaced by A.
Protein change: p.Pro381=; no amino-acid change (proline 381 retained).
Molecular consequence: synonymous variant.
Genome position (GRCh38, 1-based): chr3:142,689,779, G>A. VCF-style: chr3-142689779-G-A. GRCh37 (hg19) VCF-style: chr3-142408621-G-A.
Other names: c.1143G>A, p.Pro381= (NM_001172312.2, NM_002670.3).
Identifiers: ClinVar variation 4989535 (VCV004989535.1).
Genomic context (GRCh38, chr3:142,689,779, plus strand): 5'-TAAACTTAATTTAGCTTTTGTAGCTAATTTGTTTAACACATACCCGTGCCTGCACAAGCC[G>A]AATAATAATGACATCGATATGAATTTACTGGAAGGTGCGTTCTTTCTGCCTTTAATTGAC-3'
Protein context (NP_001138791.1, residues 371-391): LFNTYPCLHK[Pro381=]NNNDIDMNLL